The following is an entry in ClinVar:

ClinVar aggregate classification (germline): Uncertain significance. Review status: criteria provided, multiple submitters, no conflicts (2 of 4 stars). 2 submissions from 2 submitters: Uncertain significance (2). Last evaluated 2023-11-16.

Conditions:
Inborn genetic diseases. Identifiers: MedGen C0950123, MeSH D030342.

Allele frequency attached by ClinVar (database versions not stated): gnomAD exomes 0.00001; ExAC 0.00005; TOPMed 0.00013; ESP Exome Variant Server 0.00015; gnomAD 0.00015.
gnomAD v4.1: 33 of 1,613,982 alleles (0.002%); highest among the groups gnomAD compares: African/African-American, 0.039%; no homozygotes.

Submissions (2):

Labcorp Genetics (formerly Invitae), Labcorp
Classification: Uncertain significance. Last evaluated: 2023-11-16. Review status: criteria provided, single submitter. Criteria: Invitae Variant Classification Sherloc (09022015). Collection method: clinical testing. Allele origin: germline.
Comment: This sequence change replaces asparagine, which is neutral and polar, with histidine, which is basic and polar, at codon 4182 of the DNAH9 protein (p.Asn4182His). This variant is present in population databases (rs142068115, gnomAD 0.05%). This variant has not been reported in the literature in individuals affected with DNAH9-related conditions. ClinVar contains an entry for this variant (Variation ID: 2382844). Advanced modeling of protein sequence and biophysical properties (such as structural, functional, and spatial information, amino acid conservation, physicochemical variation, residue mobility, and thermodynamic stability) performed at Invitae indicates that this missense variant is expected to disrupt DNAH9 protein function with a positive predictive value of 80%. In summary, the available evidence is currently insufficient to determine the role of this variant in disease. Therefore, it has been classified as a Variant of Uncertain Significance.

Ambry Genetics
Classification: Uncertain significance for Inborn genetic diseases. Last evaluated: 2021-09-16. Review status: criteria provided, single submitter. Criteria: Ambry Variant Classification Scheme 2023. Collection method: clinical testing. Allele origin: germline.

NM_001372.4(DNAH9):c.12544A>C (p.Asn4182His)

Gene: DNAH9 (dynein axonemal heavy chain 9; plus strand). Cytogenetic location: 17p12.
Variant type: single nucleotide variant.
Coding change: c.12544A>C on transcript NM_001372.4 (MANE Select); coding-DNA position 12544, A replaced by C.
Protein change: p.Asn4182His; replaces asparagine 4182 with histidine.
Molecular consequence: missense variant.
Genome position (GRCh38, 1-based): chr17:11,937,406, A>C. VCF-style: chr17-11937406-A-C. GRCh37 (hg19) VCF-style: chr17-11840723-A-C.
Other names: c.1480A>C, p.Asn494His (NM_004662.2); short protein forms N494H, N4182H.
Identifiers: ClinVar variation 2382844 (VCV002382844.3), dbSNP rs142068115, ClinGen allele CA8398183.